The following is an entry in ClinVar:

ClinVar aggregate classification (germline): Conflicting classifications of pathogenicity. Review status: criteria provided, conflicting classifications (1 of 4 stars). 7 submissions from 7 submitters: Uncertain significance (1); Likely benign (4). 2 of the submissions do not count toward it. Last evaluated 2026-02-01.

Conditions:
FAT1-related disorder. Also called: FAT1-related condition.

Allele frequency attached by ClinVar (database versions not stated): 1000 Genomes Project 30x 0.00031; 1000 Genomes Project 0.00040; ExAC 0.00201; gnomAD 0.00204 and 0.00208; TOPMed 0.00206; gnomAD exomes 0.00208 and 0.00360; ESP Exome Variant Server 0.00288.
gnomAD v4.1: 5,572 of 1,612,064 alleles (0.35%); highest among the groups gnomAD compares: Non-Finnish European, 0.44%; 13 homozygotes.

Submissions (7):

Labcorp Genetics (formerly Invitae), Labcorp
Classification: Likely benign. Last evaluated: 2026-02-01. Review status: criteria provided, single submitter. Criteria: Invitae Variant Classification Sherloc (09022015). Collection method: clinical testing. Allele origin: germline.

Mayo Clinic Laboratories, Mayo Clinic
Classification: Likely benign. Last evaluated: 2025-08-12. Review status: criteria provided, single submitter. Criteria: ACMG Guidelines, 2015. Collection method: clinical testing. Allele origin: germline. Observed: 3 variant alleles.
Comment: BS1, BS2_supporting

GeneDx
Classification: Uncertain significance. Last evaluated: 2025-02-27. Review status: criteria provided, single submitter. Criteria: GeneDx Variant Classification Process June 2021. Collection method: clinical testing. Allele origin: germline. Affected: yes.
Comment: In silico analysis supports that this missense variant has a deleterious effect on protein structure/function; Has not been previously reported as a pathogenic or benign germline variant to our knowledge; This variant is associated with the following publications: (PMID: 30224542)

CeGaT Center for Human Genetics Tuebingen
Classification: Likely benign. Last evaluated: 2025-01-01. Review status: criteria provided, single submitter. Criteria: CeGaT Center For Human Genetics Tuebingen Variant Classification Criteria Version 2. Collection method: clinical testing. Allele origin: germline. Affected: yes. Observed: 5 variant alleles.
Comment: FAT1: BP4, BS2

Blueprint Genetics
Classification: Likely benign. Last evaluated: 2024-11-25. Review status: criteria provided, single submitter. Criteria: ACMG Guidelines, 2015. Collection method: clinical testing. Allele origin: germline.

PreventionGenetics, part of Exact Sciences
Classification: Likely benign for FAT1-related condition. Last evaluated: 2021-10-14. Review status: no assertion criteria provided. Collection method: clinical testing. Allele origin: germline. Not counted in ClinVar's aggregate classification.
Comment: This variant is classified as likely benign based on ACMG/AMP sequence variant interpretation guidelines (Richards et al. 2015 PMID: 25741868, with internal and published modifications).

Department of Pathology and Laboratory Medicine, Sinai Health System
Classification: Uncertain significance. Review status: no assertion criteria provided. Collection method: clinical testing. Allele origin: unknown. Affected: yes. Study: The Canadian Open Genetics Repository (COGR). Not counted in ClinVar's aggregate classification.
Comment: The FAT1 p.Val3147Gly variant was identified in the literature in two cultures from clinical biopsy specimens (n = 98) cultured from normal appearing mucosa of the surgical margins of tumors from 32 patients with primary head and neck squamous cell carcinoma (De Boer_2019_PMID: 30224542). The variant was identified in dbSNP (ID: rs188733415) but was not identified in ClinVar, Cosmic, or LOVD 3.0. The variant was identified in control databases in 603 of 278866 chromosomes (0 homozygous) at a frequency of 0.002162 increasing the likelihood this could be a low frequency benign variant (Genome Aggregation Database March 6, 2019, v2.1.1). The variant was observed in the following populations: European (non-Finnish) in 523 of 128034 chromosomes (freq: 0.004085), Other in 16 of 7122 chromosomes (freq: 0.002247), European (Finnish) in 21 of 23820 chromosomes (freq: 0.000882), African in 18 of 24142 chromosomes (freq: 0.000746), Latino in 21 of 35350 chromosomes (freq: 0.000594) and South Asian in 4 of 30592 chromosomes (freq: 0.000131), but was not observed in the Ashkenazi Jewish or East Asian populations. The p.Val3147 residue is not conserved in mammals and computational analyses (PolyPhen-2, SIFT, AlignGVGD, BLOSUM, MutationTaster) provide inconsistent predictions regarding the impact to the protein; this information is not very predictive of pathogenicity. The variant occurs outside of the splicing consensus sequence and three of four in silico or computational prediction software programs (SpliceSiteFinder, MaxEntScan, NNSPLICE, GeneSplicer) do not predict a greater than 10% difference in splicing; this is not very predictive of pathogenicity. In summary, based on the above information the clinical significance of this variant cannot be determined with certainty at this time. This variant is classified as a variant of uncertain significance.

NM_005245.4(FAT1):c.9440T>G (p.Val3147Gly)

Gene: FAT1 (FAT atypical cadherin 1; minus strand). Cytogenetic location: 4q35.2.
Variant type: single nucleotide variant.
Coding change: c.9440T>G on transcript NM_005245.4 (MANE Select); coding-DNA position 9440, T replaced by G.
Protein change: p.Val3147Gly; replaces valine 3147 with glycine.
Molecular consequence: missense variant.
Genome position (GRCh38, 1-based): chr4:186,613,132, A>C on the plus strand (T>G on the coding strand, the complement: FAT1 is on the minus strand). VCF-style: chr4-186613132-A-C. GRCh37 (hg19) VCF-style: chr4-187534286-A-C.
Other names: p.Val3147Gly; short protein forms V3147G.
Identifiers: ClinVar variation 707891 (VCV000707891.41), dbSNP rs188733415, ClinGen allele CA3165629.